The following is an entry in ClinVar:

ClinVar aggregate classification (germline): Likely benign. Review status: criteria provided, multiple submitters, no conflicts (2 of 4 stars). 3 submissions from 3 submitters: Likely benign (3). Last evaluated 2025-07-01.

Conditions:
Familial cold autoinflammatory syndrome 3 (FCAS3). Also called: ANTIBODY DEFICIENCY AND IMMUNE DYSREGULATION, PLCG2-ASSOCIATED; FAMILIAL ATYPICAL COLD URTICARIA. Identifiers: Orphanet 300359, MedGen C3280914, MONDO:0013766, OMIM 614468.

Allele frequency attached by ClinVar (database versions not stated): gnomAD exomes 0.00004; TOPMed 0.00005; ExAC 0.00006; ESP Exome Variant Server 0.00008; 1000 Genomes Project 30x 0.00016; 1000 Genomes Project 0.00020.
gnomAD v4.1: 26 of 1,612,762 alleles (0.0016%); highest among the groups gnomAD compares: African/African-American, 0.0093%; no homozygotes.

Submissions (3):

CeGaT Center for Human Genetics Tuebingen
Classification: Likely benign. Last evaluated: 2025-07-01. Review status: criteria provided, single submitter. Criteria: CeGaT Center For Human Genetics Tuebingen Variant Classification Criteria Version 2. Collection method: clinical testing. Allele origin: germline. Affected: yes. Observed: 1 variant allele.
Comment: PLCG2: BP4

Women's Health and Genetics/Laboratory Corporation of America, LabCorp
Classification: Likely benign. Last evaluated: 2025-06-05. Review status: criteria provided, single submitter. Criteria: LabCorp Variant Classification Summary - May 2015. Collection method: clinical testing. Allele origin: germline.
Comment: Variant summary: PLCG2 c.1935-5C>T alters a non-conserved nucleotide located at a position not widely known to affect splicing. Consensus agreement among computation tools predict no significant impact on normal splicing. However, these predictions have yet to be confirmed by functional studies. The variant allele was found at a frequency of 3.7e-05 in 245002 control chromosomes. The available data on variant occurrences in the general population are insufficient to allow any conclusion about variant significance. To our knowledge, no occurrence of c.1935-5C>T in individuals affected with Autoinflammation-PLCG2-associated antibody deficiency-immune dysregulation and no experimental evidence demonstrating its impact on protein function have been reported. ClinVar contains an entry for this variant (Variation ID: 1135731). Based on the evidence outlined above, the variant was classified as likely benign.

Labcorp Genetics (formerly Invitae), Labcorp
Classification: Likely benign for Familial cold autoinflammatory syndrome 3. Last evaluated: 2025-05-04. Review status: criteria provided, single submitter. Criteria: Invitae Variant Classification Sherloc (09022015). Collection method: clinical testing. Allele origin: germline.

NM_002661.5(PLCG2):c.1935-5C>T

Gene: PLCG2 (phospholipase C gamma 2; plus strand). Cytogenetic location: 16q23.3.
Variant type: single nucleotide variant.
Coding change: c.1935-5C>T on transcript NM_002661.5 (MANE Select); 5 bases into the intron before coding-DNA position 1935, C replaced by T.
Molecular consequence: intron variant.
Genome position (GRCh38, 1-based): chr16:81,912,592, C>T. VCF-style: chr16-81912592-C-T. GRCh37 (hg19) VCF-style: chr16-81946197-C-T.
Identifiers: ClinVar variation 1135731 (VCV001135731.18), dbSNP rs375362338, ClinGen allele CA8194018.